The following is an entry in ClinVar:

NC_000017.10:g.(?_78084516)_(78084834_?)del

Gene: GAA (alpha glucosidase; plus strand). Cytogenetic location: 17q25.3.
Variant type: Deletion.
Identifiers: ClinVar variation 2422475 (VCV002422475.5).

ClinVar aggregate classification (germline): Pathogenic (1 of 4 stars; one submission).

Conditions:
Glycogen storage disease, type II (IOPD). Also called: ACID ALPHA-GLUCOSIDASE DEFICIENCY, INFANTILE-ONSET; GAA DEFICIENCY, INFANTILE-ONSET; POMPE DISEASE, INFANTILE-ONSET; GLYCOGEN STORAGE DISEASE II, INFANTILE-ONSET; Glucosidase acid-1,4-alpha deficiency; ACID MALTASE DEFICIENCY, INFANTILE-ONSET. Identifiers: Orphanet 365, MedGen C0017921, MONDO:0009290, OMIM 232300.

Submission:

Labcorp Genetics (formerly Invitae), Labcorp
Classification: Pathogenic for Glycogen storage disease, type II. Last evaluated: 2022-09-17. Review status: criteria provided, single submitter. Criteria: Invitae Variant Classification Sherloc (09022015). Collection method: clinical testing. Allele origin: germline.
Comment: For these reasons, this variant has been classified as Pathogenic. This variant has not been reported in the literature in individuals affected with GAA-related conditions. This variant is a gross deletion of the genomic region encompassing exon(s) 10-11 of the GAA gene. This deletion is out-of-frame, and is expected to create a premature termination codon and result in an absent or disrupted protein product. Loss-of-function variants in GAA are known to be pathogenic (PMID: 18425781, 22252923).

Literature cited by the submitters: PubMed 18425781; PubMed 22252923.